The following is an entry in ClinVar:

ClinVar aggregate classification (germline): Conflicting classifications of pathogenicity. Review status: criteria provided, conflicting classifications (1 of 4 stars). 5 submissions from 4 submitters: Uncertain significance (2); Likely benign (2). 1 of the submissions does not count toward it. Last evaluated 2024-03-14.

Conditions:
Hereditary hyperinsulinism.
Transitory neonatal diabetes mellitus. Also called: Transient neonatal diabetes mellitus. Identifiers: MedGen C0342273, MONDO:0020525, HP:0008255.
Maturity-onset diabetes of the young (MODY). Also called: Maturity onset diabetes mellitus in young. Identifiers: Orphanet 552, MedGen C0342276, MONDO:0018911, HP:0004904.

Allele frequency attached by ClinVar (database versions not stated): gnomAD exomes below 0.00001; TOPMed below 0.00001; gnomAD 0.00001.
gnomAD v4.1: 16 of 1,613,972 alleles (0.00099%); highest among the groups gnomAD compares: Non-Finnish European, 0.0014%; no homozygotes.

Submissions (5):

Blueprint Genetics
Classification: Likely benign. Last evaluated: 2024-03-14. Review status: criteria provided, single submitter. Criteria: ACMG Guidelines, 2015. Collection method: clinical testing. Allele origin: germline.

Labcorp Genetics (formerly Invitae), Labcorp
Classification: Likely benign. Last evaluated: 2024-02-02. Review status: criteria provided, single submitter. Criteria: Invitae Variant Classification Sherloc (09022015). Collection method: clinical testing. Allele origin: germline.

Clinical Genomics, Uppaluri K&H Personalized Medicine Clinic
Classification: Uncertain significance for Maturity-onset diabetes of the young. Review status: criteria provided, single submitter. Criteria: K & H Uppaluri Personalized Medicine Clinic Variant Classification & Assertion Criteria_Updated V.1. Collection method: research. Allele origin: unknown. Inheritance: Somatic mutation.
Comment: Mutations in ABCC8 gene are associated with both neonatal diabetes mellitus as well as MODY. Patients with this mutation may have a better response to sulfonylureas. However, no sufficient evidence is found to ascertain the role of this particular variant ( rs1256418853) in MODY yet.

Clinical Genomics, Uppaluri K&H Personalized Medicine Clinic
Classification: Uncertain significance for Transitory neonatal diabetes mellitus. Review status: criteria provided, single submitter. Criteria: K & H Uppaluri Personalized Medicine Clinic Variant Classification & Assertion Criteria_Updated V.1. Collection method: research. Allele origin: unknown. Inheritance: Somatic mutation.
Comment: Mutations in ABCC8 gene are associated with both neonatal diabetes mellitus as well as MODY. Patients with this mutation may have a better response to sulfonylureas. However, no sufficient evidence is found to ascertain the role of this particular variant ( rs1256418853) in neonatal diabetes yet.

Natera, Inc.
Classification: Uncertain significance for Hereditary hyperinsulinism. Last evaluated: 2020-03-11. Review status: no assertion criteria provided. Collection method: clinical testing. Allele origin: germline. Not counted in ClinVar's aggregate classification.

Literature cited by the submitters: PubMed 16885549 (cited by Clinical Genomics, Uppaluri K&H Personalized Medicine Clinic); PubMed 21989597 (cited by Clinical Genomics, Uppaluri K&H Personalized Medicine Clinic); PubMed 27538677 (cited by Clinical Genomics, Uppaluri K&H Personalized Medicine Clinic); PubMed 18981553 (cited by Clinical Genomics, Uppaluri K&H Personalized Medicine Clinic); PubMed 32027066 (cited by Clinical Genomics, Uppaluri K&H Personalized Medicine Clinic); PubMed 16613899 (cited by Clinical Genomics, Uppaluri K&H Personalized Medicine Clinic); PubMed 18025408 (cited by Clinical Genomics, Uppaluri K&H Personalized Medicine Clinic); PubMed 32792356 (cited by Clinical Genomics, Uppaluri K&H Personalized Medicine Clinic).

NM_000352.6(ABCC8):c.1095C>T (p.Ala365=)

Gene: ABCC8 (ATP binding cassette subfamily C member 8; minus strand). Cytogenetic location: 11p15.1.
Variant type: single nucleotide variant.
Coding change: c.1095C>T on transcript NM_000352.6 (MANE Select); coding-DNA position 1095, C replaced by T.
Protein change: p.Ala365=; no amino-acid change (alanine 365 retained).
Molecular consequence: synonymous variant. On other transcripts: non-coding transcript variant (1).
Genome position (GRCh38, 1-based): chr11:17,453,200, G>A on the plus strand (C>T on the coding strand, the complement: ABCC8 is on the minus strand). VCF-style: chr11-17453200-G-A. GRCh37 (hg19) VCF-style: chr11-17474747-G-A.
Other names: c.1095C>T, p.Ala365= (NM_001287174.3, NM_001351295.2); c.1092C>T, p.Ala364= (NM_001351296.2, NM_001351297.2).
Identifiers: ClinVar variation 752571 (VCV000752571.13), dbSNP rs1256418853, ClinGen allele CA473299869.